The following is an entry in ClinVar:

ClinVar aggregate classification (germline): Uncertain significance (1 of 4 stars; one submission).

Conditions:
Congenital contractural arachnodactyly (CCA). Also called: BEALS SYNDROME; Beals-Hecht syndrome; Arthrogryposis, distal, type 9. Identifiers: Orphanet 115, MedGen C0220668, MONDO:0007363, OMIM 121050.

Submission:

Labcorp Genetics (formerly Invitae), Labcorp
Classification: Uncertain significance for Congenital contractural arachnodactyly. Last evaluated: 2025-05-30. Review status: criteria provided, single submitter. Criteria: Invitae Variant Classification Sherloc (09022015). Collection method: clinical testing. Allele origin: germline.
Comment: This sequence change replaces tyrosine, which is neutral and polar, with phenylalanine, which is neutral and non-polar, at codon 1071 of the FBN2 protein (p.Tyr1071Phe). This variant is not present in population databases (gnomAD no frequency). This variant has not been reported in the literature in individuals affected with FBN2-related conditions. Invitae Evidence Modeling of protein sequence and biophysical properties (such as structural, functional, and spatial information, amino acid conservation, physicochemical variation, residue mobility, and thermodynamic stability) indicates that this missense variant is not expected to disrupt FBN2 protein function with a negative predictive value of 95%. In summary, the available evidence is currently insufficient to determine the role of this variant in disease. Therefore, it has been classified as a Variant of Uncertain Significance.

NM_001999.4(FBN2):c.3212A>T (p.Tyr1071Phe)

Genes: FBN2 (fibrillin 2; minus strand), LOC126807501 (BRD4-independent group 4 enhancer GRCh37_chr5:127680731-127681930; plus strand). Cytogenetic location: 5q23.3.
Variant type: single nucleotide variant.
Coding change: c.3212A>T on transcript NM_001999.4 (MANE Select); coding-DNA position 3212, A replaced by T.
Protein change: p.Tyr1071Phe; replaces tyrosine 1071 with phenylalanine.
Molecular consequence: missense variant.
Genome position (GRCh38, 1-based): chr5:128,345,362, T>A on the plus strand (A>T on the coding strand, the complement: FBN2 is on the minus strand). VCF-style: chr5-128345362-T-A. GRCh37 (hg19) VCF-style: chr5-127681054-T-A.
Other names: short protein forms Y1071F.
Identifiers: ClinVar variation 4801543 (VCV004801543.1).